The following is an entry in ClinVar:

ClinVar aggregate classification (germline): Uncertain significance (1 of 4 stars; one submission).

Conditions:
Catecholaminergic polymorphic ventricular tachycardia (CVPT). Also called: Catecholamine-induced polymorphic ventricular tachycardia. Identifiers: Orphanet 3286, MedGen C5574922, MONDO:0017990.

gnomAD v4.1: 1 of 1,605,804 alleles (0.000062%); highest among the groups gnomAD compares: Admixed American, 0.0017%; no homozygotes.

Submission:

All of Us Research Program, National Institutes of Health
Classification: Uncertain significance for Catecholaminergic polymorphic ventricular tachycardia. Last evaluated: 2023-04-27. Review status: criteria provided, single submitter. Criteria: ACMG Guidelines, 2015. Collection method: clinical testing. Allele origin: germline. Inheritance: Autosomal dominant inheritance. Observed: 2 variant alleles, 2 heterozygotes.
Comment: This variant causes a C to G nucleotide substitution at the +6 position of intron 34 of the RYR2 gene. To our knowledge, functional studies have not been reported for this variant. This variant has not been reported in individuals affected with RYR2-related disorders in the literature. This variant has been identified in 1/238348 chromosomes in the general population by the Genome Aggregation Database (gnomAD). The available evidence is insufficient to determine the role of this variant in disease conclusively. Therefore, this variant is classified as a Variant of Uncertain Significance.

This study involves interpretation of variants in research participants for the purpose of population health screening. Participant phenotype was not available at the time of variant classification. Additional details can be found in publication PMID: 35346344, PMCID: PMC8962531

NM_001035.3(RYR2):c.4596+6C>G

Gene: RYR2 (ryanodine receptor 2; plus strand). Cytogenetic location: 1q43.
Variant type: single nucleotide variant.
Coding change: c.4596+6C>G on transcript NM_001035.3 (MANE Select); 6 bases into the intron after coding-DNA position 4596, C replaced by G.
Molecular consequence: intron variant.
Genome position (GRCh38, 1-based): chr1:237,595,663, C>G. VCF-style: chr1-237595663-C-G. GRCh37 (hg19) VCF-style: chr1-237758963-C-G.
Identifiers: ClinVar variation 3070451 (VCV003070451.1), dbSNP rs766080208, ClinGen allele CA529547208.